The following is an entry in ClinVar:

NM_001458.5(FLNC):c.4457-1G>A

Gene: FLNC (filamin C; plus strand). Cytogenetic location: 7q32.1.
Variant type: single nucleotide variant.
Coding change: c.4457-1G>A on transcript NM_001458.5 (MANE Select); the canonical splice acceptor site of the intron before coding-DNA position 4457, G replaced by A.
Molecular consequence: splice acceptor variant.
Genome position (GRCh38, 1-based): chr7:128,847,944, G>A. VCF-style: chr7-128847944-G-A. GRCh37 (hg19) VCF-style: chr7-128487998-G-A.
Other names: c.4457-1G>A (NM_001127487.2).
Identifiers: ClinVar variation 1474278 (VCV001474278.6), dbSNP rs1404524040, ClinGen allele CA369201754.
Genomic context (GRCh38, chr7:128,847,944, plus strand): 5'-GGGAGGAGGGAGGTGGGGCGGGACGCCCGGAGGCTCTGCTGACCCTGTGCCCCTTGCCCA[G>A]GTGTGGCCGAGCCTGTGGAGGTGCGGGACAATGGAGATGGCACCCACACTGTCCACTACA-3'

ClinVar aggregate classification (germline): Likely pathogenic (1 of 4 stars; one submission).

Conditions:
Distal myopathy with posterior leg and anterior hand involvement. Also called: WILLIAMS DISTAL MYOPATHY. Identifiers: Orphanet 63273, MedGen C3279722, MONDO:0013550, OMIM 614065.
Hypertrophic cardiomyopathy 26. Also called: Cardiomyopathy, familial hypertrophic, 26. Identifiers: Orphanet 75249, MedGen C4310749, MONDO:0014883, OMIM 617047.
Myofibrillar myopathy 5. Also called: FILAMINOPATHY, AUTOSOMAL DOMINANT; Filaminopathy (type). Identifiers: Orphanet 171445, MedGen C1836050, MONDO:0012289, OMIM 609524.

Submission:

Labcorp Genetics (formerly Invitae), Labcorp
Classification: Likely pathogenic for Distal myopathy with posterior leg and anterior hand involvement; Myofibrillar myopathy 5; Hypertrophic cardiomyopathy 26. Last evaluated: 2021-11-04. Review status: criteria provided, single submitter. Criteria: Invitae Variant Classification Sherloc (09022015). Collection method: clinical testing. Allele origin: germline.
Comment: In summary, the currently available evidence indicates that the variant is pathogenic, but additional data are needed to prove that conclusively. Therefore, this variant has been classified as Likely Pathogenic. Algorithms developed to predict the effect of sequence changes on RNA splicing suggest that this variant may disrupt the consensus splice site. This variant has not been reported in the literature in individuals affected with FLNC-related conditions. This variant is not present in population databases (gnomAD no frequency). This sequence change affects an acceptor splice site in intron 25 of the FLNC gene. It is expected to disrupt RNA splicing. Variants that disrupt the donor or acceptor splice site typically lead to a loss of protein function (PMID: 16199547), and loss-of-function variants in FLNC are known to be pathogenic (PMID: 27908349).

Literature cited by the submitters: PubMed 16199547; PubMed 27908349.